The following is an entry in ClinVar:

ClinVar aggregate classification (germline): Uncertain significance (1 of 4 stars; one submission).

Conditions:
Fanconi anemia (FA). Also called: Fanconi's anemia. Identifiers: Orphanet 84, MedGen C0015625, MeSH D005199, MONDO:0019391.

Submission:

Labcorp Genetics (formerly Invitae), Labcorp
Classification: Uncertain significance for Fanconi anemia. Last evaluated: 2020-11-23. Review status: criteria provided, single submitter. Criteria: Invitae Variant Classification Sherloc (09022015). Collection method: clinical testing. Allele origin: germline.
Comment: In summary, the available evidence is currently insufficient to determine the role of this variant in disease. Therefore, it has been classified as a Variant of Uncertain Significance. Algorithms developed to predict the effect of missense changes on protein structure and function output the following: SIFT: "Tolerated"; PolyPhen-2: "Benign"; Align-GVGD: "Class C0". The arginine amino acid residue is found in multiple mammalian species, suggesting that this missense change does not adversely affect protein function. These predictions have not been confirmed by published functional studies and their clinical significance is uncertain. This variant has not been reported in the literature in individuals with FANCD2-related conditions. This variant is not present in population databases (ExAC no frequency). This sequence change replaces serine with arginine at codon 325 of the FANCD2 protein (p.Ser325Arg). The serine residue is weakly conserved and there is a moderate physicochemical difference between serine and arginine.

NM_001018115.3(FANCD2):c.973A>C (p.Ser325Arg)

Genes: FANCD2 (FA complementation group D2; plus strand), LOC107303338 (3p25 FANCD2 Alu-mediated recombination region; plus strand). Cytogenetic location: 3p25.3.
Variant type: single nucleotide variant.
Coding change: c.973A>C on transcript NM_001018115.3 (MANE Select); coding-DNA position 973, A replaced by C.
Protein change: p.Ser325Arg; replaces serine 325 with arginine.
Molecular consequence: missense variant.
Genome position (GRCh38, 1-based): chr3:10,043,134, A>C. VCF-style: chr3-10043134-A-C. GRCh37 (hg19) VCF-style: chr3-10084818-A-C.
Other names: c.973A>C, p.Ser325Arg (NM_001319984.2, NM_001374253.1, NM_001374254.1 and 1 more transcripts); short protein forms S325R.
Identifiers: ClinVar variation 1487830 (VCV001487830.8), dbSNP rs2124992404, ClinGen allele CA351730110.